The following is an entry in ClinVar:

NM_001113491.2(SEPTIN9):c.344C>T (p.Ser115Leu)

Gene: SEPTIN9 (septin 9; plus strand). Cytogenetic location: 17q25.3.
Variant type: single nucleotide variant.
Coding change: c.344C>T on transcript NM_001113491.2 (MANE Select); coding-DNA position 344, C replaced by T.
Protein change: p.Ser115Leu; replaces serine 115 with leucine.
Molecular consequence: missense variant. On other transcripts: 5 prime UTR variant (2).
Genome position (GRCh38, 1-based): chr17:77,402,326, C>T. VCF-style: chr17-77402326-C-T. GRCh37 (hg19) VCF-style: chr17-75398408-C-T.
Other names: c.-149C>T (NM_001113492.2, NM_001113494.1); c.323C>T, p.Ser108Leu (NM_001113493.2); c.287C>T, p.Ser96Leu (NM_001293695.2); c.290C>T, p.Ser97Leu (NM_006640.5); short protein forms S108L, S115L, S96L, S97L.
Identifiers: ClinVar variation 1682593 (VCV001682593.5), dbSNP rs768122375, ClinGen allele CA8793175.
Genomic context (GRCh38, chr17:77,402,326, plus strand): 5'-TCTCGGGCCCCAAGGCGGCCGAGCCGGTGTCCCGGCGCACTGAGCTGTCCATTGACATCT[C>T]GTCCAAGCAGGTGGAGAACGCCGGGGCCATCGGCCCGTCCCGGTTCGGGCTCAAGAGGGC-3'
Protein context (NP_001106963.1, residues 105-125): SRRTELSIDI[Ser115Leu]SKQVENAGAI

ClinVar aggregate classification (germline): Uncertain significance (1 of 4 stars; one submission).

Allele frequency attached by ClinVar (database versions not stated): gnomAD exomes 0.00001 and 0.00002; TOPMed 0.00001; ExAC 0.00002.
gnomAD v4.1: 13 of 1,612,722 alleles (0.00081%); highest among the groups gnomAD compares: South Asian, 0.0033%; no homozygotes.

Submission:

Labcorp Genetics (formerly Invitae), Labcorp
Classification: Uncertain significance. Last evaluated: 2025-09-15. Review status: criteria provided, single submitter. Criteria: Invitae Variant Classification Sherloc (09022015). Collection method: clinical testing. Allele origin: germline.
Comment: This sequence change replaces serine, which is neutral and polar, with leucine, which is neutral and non-polar, at codon 97 of the SEPT9 protein (p.Ser97Leu). This variant is present in population databases (rs768122375, gnomAD 0.007%). This variant has not been reported in the literature in individuals affected with SEPT9-related conditions. ClinVar contains an entry for this variant (Variation ID: 1682593). Invitae Evidence Modeling of protein sequence and biophysical properties (such as structural, functional, and spatial information, amino acid conservation, physicochemical variation, residue mobility, and thermodynamic stability) indicates that this missense variant is not expected to disrupt SEPT9 protein function with a negative predictive value of 80%. In summary, the available evidence is currently insufficient to determine the role of this variant in disease. Therefore, it has been classified as a Variant of Uncertain Significance.